The following is an entry in ClinVar:

ClinVar aggregate classification (germline): Uncertain significance. Review status: criteria provided, multiple submitters, no conflicts (2 of 4 stars). 2 submissions from 2 submitters: Uncertain significance (2). Last evaluated 2025-03-24.

Conditions:
Inborn genetic diseases. Identifiers: MedGen C0950123, MeSH D030342.

Allele frequency attached by ClinVar (database versions not stated): gnomAD exomes 0.00004; gnomAD 0.00005; ExAC 0.00006; TOPMed 0.00008.
gnomAD v4.1: 63 of 1,597,982 alleles (0.0039%); highest among the groups gnomAD compares: Middle Eastern, 0.033%; no homozygotes.

Submissions (2):

Ambry Genetics
Classification: Uncertain significance for Inborn genetic diseases. Last evaluated: 2025-03-24. Review status: criteria provided, single submitter. Criteria: Ambry Variant Classification Scheme 2023. Collection method: clinical testing. Allele origin: germline.

GeneDx
Classification: Uncertain significance. Last evaluated: 2022-10-04. Review status: criteria provided, single submitter. Criteria: GeneDx Variant Classification Process June 2021. Collection method: clinical testing. Allele origin: germline. Affected: yes.
Comment: In silico analysis supports that this missense variant does not alter protein structure/function; Has not been previously published as pathogenic or benign to our knowledge

NM_005883.3(APC2):c.2368G>A (p.Ala790Thr)

Gene: APC2 (APC regulator of Wnt signaling pathway 2; plus strand). Cytogenetic location: 19p13.3.
Variant type: single nucleotide variant.
Coding change: c.2368G>A on transcript NM_005883.3 (MANE Select); coding-DNA position 2368, G replaced by A.
Protein change: p.Ala790Thr; replaces alanine 790 with threonine.
Molecular consequence: missense variant.
Genome position (GRCh38, 1-based): chr19:1,465,669, G>A. VCF-style: chr19-1465669-G-A. GRCh37 (hg19) VCF-style: chr19-1465668-G-A.
Other names: c.2365G>A, p.Ala789Thr (NM_001351273.1); short protein forms A789T, A790T.
Identifiers: ClinVar variation 2498066 (VCV002498066.2), dbSNP rs766566087, ClinGen allele CA9045429.